The following is an entry in ClinVar:

ClinVar aggregate classification (germline): Pathogenic (0 of 4 stars; one submission).

Conditions:
Mucolipidosis type II. Also called: Mucolipidosis 2; ML 2; Inclusion cell disease; Leroy Disease; N-acetylglucosamine 1phosphotransferase deficiency; ML disorder type 2. Identifiers: Orphanet 576, MedGen C2673377, MONDO:0009650, OMIM 252500.

Submission:

GeneReviews
Classification: Pathogenic for Mucolipidosis III Alpha/Beta. Last evaluated: 2012-05-10. Review status: no assertion criteria provided. Collection method: curation. Allele origin: unknown.
ClinVar note: Converted during submission from pathologic to Pathogenic.

NM_024312.4(GNPTAB):c.1738TATA[3] (p.Ser581Ilefs)

Gene: GNPTAB (N-acetylglucosamine-1-phosphate transferase subunits alpha and beta; minus strand). Cytogenetic location: 12q23.2.
Variant type: Microsatellite.
Coding change: c.1738TATA[3] on transcript NM_024312.4; three copies in a row of the 4-base unit TATA starting at c.1738.
Protein change: p.Ser581Ilefs; shifts the reading frame from serine 581.
Molecular consequence: frameshift variant (on NM_024312.5).
Genome position: GRCh38 VCF-style: chr12-101765175-C-CTATATATA. GRCh37 (hg19) VCF-style: chr12-102158953-C-CTATATATA.
Other names: AY687932:c.1738TATA[3]; c.1741_1742insTATATATA, p.Ser581fs (NM_024312.5); short protein forms S581fs.
Identifiers: ClinVar variation 38415 (VCV000038415.3), dbSNP rs34924076, ClinGen allele CA242457175.